The following is an entry in ClinVar:

NM_001291303.3(FAT4):c.10148_10149delinsCA (p.Ile3383Thr)

Gene: FAT4 (FAT atypical cadherin 4; plus strand). Cytogenetic location: 4q28.1.
Variant type: Indel.
Coding change: c.10148_10149delinsCA on transcript NM_001291303.3 (MANE Select); coding-DNA positions 10148 to 10149, TT replaced by CA.
Protein change: p.Ile3383Thr; replaces isoleucine 3383 with threonine.
Molecular consequence: missense variant.
Genome position (GRCh38, 1-based): chr4:125,451,158-125,451,159, TT replaced by CA. VCF-style: chr4-125451158-TT-CA. GRCh37 (hg19) VCF-style: chr4-126372313-TT-CA.
Other names: c.10148_10149delinsCA, p.Ile3383Thr (NM_001291285.3); c.10142_10143delinsCA, p.Ile3381Thr (NM_024582.6); short protein forms I3381T, I3383T.
Identifiers: ClinVar variation 1312119 (VCV001312119.2), dbSNP rs2126060437, ClinGen allele CA2573052297.
Genomic context (GRCh38, chr4:125,451,158, plus strand): 5'-TTGATCGAGAAAAAGAAGAAAGGGTGTCTTTGAAGGTATTGGCCAAGAACTTTGGCAGCA[TT>CA]AGAGGTGCAGATATAGATGAGGTCACTGTAAATGTCACCGTGCTTGATGCAAATGACCCA-3'
Protein context (NP_001278232.1, residues 3373-3393): LKVLAKNFGS[Ile3383Thr]RGADIDEVTV

ClinVar aggregate classification (germline): Uncertain significance (1 of 4 stars; one submission).

Submission:

GeneDx
Classification: Uncertain significance. Last evaluated: 2019-09-20. Review status: criteria provided, single submitter. Criteria: GeneDx Variant Classification Process June 2021. Collection method: clinical testing. Allele origin: germline. Affected: yes.
Comment: Not observed in large population cohorts (Lek et al., 2016); In silico analysis, which includes protein predictors and evolutionary conservation, supports a deleterious effect; Has not been previously published as pathogenic or benign to our knowledge